The following is an entry in ClinVar:

NM_001329943.3(KIAA0586):c.1775A>G (p.Asn592Ser)

Gene: KIAA0586 (KIAA0586; plus strand). Cytogenetic location: 14q23.1.
Variant type: single nucleotide variant.
Coding change: c.1775A>G on transcript NM_001329943.3 (MANE Select); coding-DNA position 1775, A replaced by G.
Protein change: p.Asn592Ser; replaces asparagine 592 with serine.
Molecular consequence: missense variant. On other transcripts: intron variant (1).
Genome position (GRCh38, 1-based): chr14:58,459,961, A>G. VCF-style: chr14-58459961-A-G. GRCh37 (hg19) VCF-style: chr14-58926679-A-G.
Other names: c.1934A>G, p.Asn645Ser (NM_001244189.2); c.1730A>G, p.Asn577Ser (NM_001244190.2); c.1520A>G, p.Asn507Ser (NM_001244191.2, NM_001329945.2, NM_001364700.1 and 1 more transcripts); c.1643A>G, p.Asn548Ser (NM_001244192.2); c.1355A>G, p.Asn452Ser (NM_001244193.2); c.1775A>G, p.Asn592Ser (NM_001329944.2, NM_001329946.2, NM_001329947.2); c.1657-1025A>G (NM_014749.5); short protein forms N577S, N592S, N452S, N548S, N507S, N645S.
Identifiers: ClinVar variation 1492960 (VCV001492960.8), dbSNP rs2140874422, ClinGen allele CA389871051.

ClinVar aggregate classification (germline): Uncertain significance (1 of 4 stars; one submission).

Conditions:
Joubert syndrome 23 (JBTS23). Identifiers: Orphanet 475, MedGen C4084822, MONDO:0014664, OMIM 616490.
Short-rib thoracic dysplasia 14 with polydactyly (SRTD14). Identifiers: Orphanet 397715, MedGen C4225286, MONDO:0014688, OMIM 616546.

Submission:

Labcorp Genetics (formerly Invitae), Labcorp
Classification: Uncertain significance for Joubert syndrome 23; Short-rib thoracic dysplasia 14 with polydactyly. Last evaluated: 2021-05-20. Review status: criteria provided, single submitter. Criteria: Invitae Variant Classification Sherloc (09022015). Collection method: clinical testing. Allele origin: germline.
Comment: This sequence change replaces asparagine with serine at codon 645 of the KIAA0586 protein (p.Asn645Ser). The asparagine residue is moderately conserved and there is a small physicochemical difference between asparagine and serine. The frequency data for this variant in the population databases is considered unreliable, as metrics indicate insufficient coverage at this position in the ExAC database. This variant has not been reported in the literature in individuals with KIAA0586-related conditions. Algorithms developed to predict the effect of missense changes on protein structure and function output the following: SIFT: "Tolerated"; PolyPhen-2: "Benign"; Align-GVGD: "Class C0". The serine amino acid residue is found in multiple mammalian species, suggesting that this missense change does not adversely affect protein function. These predictions have not been confirmed by published functional studies and their clinical significance is uncertain. In summary, the available evidence is currently insufficient to determine the role of this variant in disease. Therefore, it has been classified as a Variant of Uncertain Significance.